The following is an entry in ClinVar:

NM_001283009.2(RTEL1):c.3519G>C (p.Lys1173Asn)

Genes: RTEL1 (regulator of telomere elongation helicase 1; plus strand), RTEL1-TNFRSF6B (RTEL1-TNFRSF6B readthrough (NMD candidate); plus strand). Cytogenetic location: 20q13.33.
Variant type: single nucleotide variant.
Coding change: c.3519G>C on transcript NM_001283009.2 (MANE Select); coding-DNA position 3519, G replaced by C.
Protein change: p.Lys1173Asn; replaces lysine 1173 with asparagine.
Molecular consequence: missense variant. On other transcripts: non-coding transcript variant (1).
Genome position (GRCh38, 1-based): chr20:63,695,347, G>C. VCF-style: chr20-63695347-G-C. GRCh37 (hg19) VCF-style: chr20-62326700-G-C.
Other names: c.2850G>C, p.Lys950Asn (NM_001283010.1); c.3519G>C, p.Lys1173Asn (NM_016434.4); c.3591G>C, p.Lys1197Asn (NM_032957.5); short protein forms K1173N, K950N, K1197N.
Identifiers: ClinVar variation 2941247 (VCV002941247.4), dbSNP rs979471304, ClinGen allele CA409685594.

ClinVar aggregate classification (germline): Uncertain significance. Review status: criteria provided, multiple submitters, no conflicts (2 of 4 stars). 2 submissions from 2 submitters: Uncertain significance (2). Last evaluated 2025-01-30.

Conditions:
Inborn genetic diseases. Identifiers: MedGen C0950123, MeSH D030342.
Dyskeratosis congenita, autosomal recessive 5 (DKCB5). Identifiers: MedGen C3554656, MONDO:0014076, OMIM 615190.
Pulmonary fibrosis and/or bone marrow failure, Telomere-related, 3. Also called: PULMONARY FIBROSIS AND/OR BONE MARROW FAILURE SYNDROME, TELOMERE-RELATED, 3. Identifiers: Orphanet 2032, MedGen C4225346, MONDO:0014613, OMIM 616373.

Submissions (2):

Ambry Genetics
Classification: Uncertain significance for Inborn genetic diseases. Last evaluated: 2025-01-30. Review status: criteria provided, single submitter. Criteria: Ambry Variant Classification Scheme 2023. Collection method: clinical testing. Allele origin: germline.
Comment: The p.K1173N variant (also known as c.3519G>C), located in coding exon 33 of the RTEL1 gene, results from a G to C substitution at nucleotide position 3519. The lysine at codon 1173 is replaced by asparagine, an amino acid with similar properties. This amino acid position is conserved. In addition, this alteration is predicted to be tolerated by in silico analysis. Based on the available evidence, the clinical significance of this variant remains unclear.

Labcorp Genetics (formerly Invitae), Labcorp
Classification: Uncertain significance for Dyskeratosis congenita, autosomal recessive 5; Pulmonary fibrosis and/or bone marrow failure, Telomere-related, 3. Last evaluated: 2023-09-08. Review status: criteria provided, single submitter. Criteria: Invitae Variant Classification Sherloc (09022015). Collection method: clinical testing. Allele origin: germline.
Comment: This sequence change replaces lysine, which is basic and polar, with asparagine, which is neutral and polar, at codon 1173 of the RTEL1 protein (p.Lys1173Asn). This variant is not present in population databases (gnomAD no frequency). This variant has not been reported in the literature in individuals affected with RTEL1-related conditions. Algorithms developed to predict the effect of missense changes on protein structure and function output the following: SIFT: "Not Available"; PolyPhen-2: "Benign"; Align-GVGD: "Not Available". The asparagine amino acid residue is found in multiple mammalian species, which suggests that this missense change does not adversely affect protein function. In summary, the available evidence is currently insufficient to determine the role of this variant in disease. Therefore, it has been classified as a Variant of Uncertain Significance.